The following is an entry in ClinVar:

NM_006939.4(SOS2):c.3380-2A>C

Gene: SOS2 (SOS Ras/Rho guanine nucleotide exchange factor 2; minus strand). Cytogenetic location: 14q21.3.
Variant type: single nucleotide variant.
Coding change: c.3380-2A>C on transcript NM_006939.4 (MANE Select); the canonical splice acceptor site of the intron before coding-DNA position 3380, A replaced by C.
Molecular consequence: splice acceptor variant.
Genome position (GRCh38, 1-based): chr14:50,120,386, T>G on the plus strand (A>C on the coding strand, the complement: SOS2 is on the minus strand). VCF-style: chr14-50120386-T-G. GRCh37 (hg19) VCF-style: chr14-50587104-T-G.
Other names: c.3281-2A>C (NM_001411020.1).
Identifiers: ClinVar variation 3366189 (VCV003366189.1).

ClinVar aggregate classification (germline): Uncertain significance (1 of 4 stars; one submission).

Submission:

GeneDx
Classification: Uncertain significance. Last evaluated: 2023-10-20. Review status: criteria provided, single submitter. Criteria: GeneDx Variant Classification Process June 2021. Collection method: clinical testing. Allele origin: germline. Affected: yes.
Comment: Canonical splice site variant in a gene for which loss-of-function is not an established mechanism of disease; Not observed at significant frequency in large population cohorts (gnomAD); Has not been previously published as pathogenic or benign to our knowledge